The following is an entry in ClinVar:

NM_001378454.1(ALMS1):c.11283C>T (p.Val3761=)

Gene: ALMS1 (ALMS1 centrosome and basal body associated protein; plus strand). Cytogenetic location: 2p13.1.
Variant type: single nucleotide variant.
Coding change: c.11283C>T on transcript NM_001378454.1 (MANE Select); coding-DNA position 11283, C replaced by T.
Protein change: p.Val3761=; no amino-acid change (valine 3761 retained).
Molecular consequence: synonymous variant.
Genome position (GRCh38, 1-based): chr2:73,573,160, C>T. VCF-style: chr2-73573160-C-T. GRCh37 (hg19) VCF-style: chr2-73800287-C-T.
Other names: c.11286C>T, p.Val3762= (NM_015120.4).
Identifiers: ClinVar variation 1111445 (VCV001111445.19), dbSNP rs183916999, ClinGen allele CA1715155.

ClinVar aggregate classification (germline): Likely benign. Review status: criteria provided, multiple submitters, no conflicts (2 of 4 stars). 6 submissions from 6 submitters: Likely benign (4). 2 of the submissions do not count toward it. Last evaluated 2026-03-01.

Conditions:
Cardiovascular phenotype. Identifiers: MedGen CN230736.
Alstrom syndrome (ALMS). Identifiers: Orphanet 64, MedGen C0268425, MONDO:0008763, OMIM 203800.

Allele frequency attached by ClinVar (database versions not stated): gnomAD 0.00003; gnomAD exomes 0.00005; TOPMed 0.00006; ExAC 0.00007; ESP Exome Variant Server 0.00008; 1000 Genomes Project 30x 0.00016; 1000 Genomes Project 0.00020.
gnomAD v4.1: 103 of 1,613,564 alleles (0.0064%); highest among the groups gnomAD compares: South Asian, 0.0077%; 1 homozygote.

Submissions (6):

CeGaT Center for Human Genetics Tuebingen
Classification: Likely benign. Last evaluated: 2026-03-01. Review status: criteria provided, single submitter. Criteria: CeGaT Center For Human Genetics Tuebingen Variant Classification Criteria Version 2. Collection method: clinical testing. Allele origin: germline. Affected: yes. Observed: 1 variant allele.
Comment: ALMS1: BP4, BP7

Labcorp Genetics (formerly Invitae), Labcorp
Classification: Likely benign for Alstrom syndrome. Last evaluated: 2026-02-01. Review status: criteria provided, single submitter. Criteria: Invitae Variant Classification Sherloc (09022015). Collection method: clinical testing. Allele origin: germline.

Blueprint Genetics
Classification: Likely benign. Last evaluated: 2024-10-17. Review status: criteria provided, single submitter. Criteria: ACMG Guidelines, 2015. Collection method: clinical testing. Allele origin: germline.

Ambry Genetics
Classification: Likely benign for Cardiovascular phenotype. Last evaluated: 2019-10-01. Review status: criteria provided, single submitter. Criteria: Ambry Variant Classification Scheme 2023. Collection method: clinical testing. Allele origin: germline.

Clinical Genetics, Academic Medical Center
Classification: Benign. Review status: no assertion criteria provided. Collection method: clinical testing. Allele origin: germline. Affected: yes. Study: VKGL Data-share Consensus. Not counted in ClinVar's aggregate classification.

Genome Diagnostics Laboratory, University Medical Center Utrecht
Classification: Likely benign. Review status: no assertion criteria provided. Collection method: clinical testing. Allele origin: germline. Affected: yes. Study: VKGL Data-share Consensus. Not counted in ClinVar's aggregate classification.